The following is an entry in ClinVar:

ClinVar aggregate classification (germline): Uncertain significance (1 of 4 stars; one submission).

Conditions:
Inborn genetic diseases. Identifiers: MedGen C0950123, MeSH D030342.

Allele frequency attached by ClinVar (database versions not stated): TOPMed below 0.00001; gnomAD exomes 0.00001.
gnomAD v4.1: 17 of 1,613,910 alleles (0.0011%); highest among the groups gnomAD compares: East Asian, 0.0022%; no homozygotes.

Submission:

Ambry Genetics
Classification: Uncertain significance for Inborn genetic diseases. Last evaluated: 2020-11-17. Review status: criteria provided, single submitter. Criteria: Ambry Variant Classification Scheme 2023. Collection method: clinical testing. Allele origin: germline.
Comment: The p.T1323S variant (also known as c.3968C>G), located in coding exon 29 of the DST gene, results from a C to G substitution at nucleotide position 3968. The threonine at codon 1323 is replaced by serine, an amino acid with similar properties. This amino acid position is not well conserved in available vertebrate species. In addition, this alteration is predicted to be tolerated by in silico analysis. Since supporting evidence is limited at this time, the clinical significance of this alteration remains unclear.

NM_001374736.1(DST):c.4067C>G (p.Thr1356Ser)

Gene: DST (dystonin; minus strand). Cytogenetic location: 6p12.1.
Variant type: single nucleotide variant.
Coding change: c.4067C>G on transcript NM_001374736.1 (MANE Select); coding-DNA position 4067, C replaced by G.
Protein change: p.Thr1356Ser; replaces threonine 1356 with serine.
Molecular consequence: missense variant.
Genome position (GRCh38, 1-based): chr6:56,631,286, G>C on the plus strand (C>G on the coding strand, the complement: DST is on the minus strand). VCF-style: chr6-56631286-G-C. GRCh37 (hg19) VCF-style: chr6-56496084-G-C.
Other names: c.3968C>G, p.Thr1323Ser (NM_001144769.5); c.3554C>G, p.Thr1185Ser (NM_001144770.2); c.4067C>G, p.Thr1356Ser (NM_001374722.1); c.3434C>G, p.Thr1145Ser (NM_001374729.1, NM_001374730.1, NM_001386100.1 and 1 more transcripts); c.4094C>G, p.Thr1365Ser (NM_001374734.1); c.2456C>G, p.Thr819Ser (NM_001723.7, NM_015548.5); short protein forms T1365S, T1185S, T1323S, T1145S, T1356S, T819S.
Identifiers: ClinVar variation 1736573 (VCV001736573.2), dbSNP rs1229683053, ClinGen allele CA364574496.
Genomic context (GRCh38, chr6:56,631,286, plus strand): 5'-GAAGACATAGAATAGACTTGGTTCATGTTCTGAAGGACCACATTAAGCTCTGATCGTAGG[G>C]TAGGGACTGATGAAGAGGCTGCTGCTTGACTGAAAAACTCCTCACACTTATTTGTGATTG-3'
Protein context (NP_001361665.1, residues 1346-1366): SQAAASSSVP[Thr1356Ser]LRSELNVVLQ